The following is an entry in ClinVar:

NC_000019.9:g.(?_17991654)_(17991782_?)del

Gene: SLC5A5 (solute carrier family 5 member 5; plus strand). Cytogenetic location: 19p13.11.
Variant type: Deletion.
Identifiers: ClinVar variation 3242649 (VCV003242649.1).

ClinVar aggregate classification (germline): Pathogenic (1 of 4 stars; one submission).

Submission:

Labcorp Genetics (formerly Invitae), Labcorp
Classification: Pathogenic. Last evaluated: 2023-01-13. Review status: criteria provided, single submitter. Criteria: Invitae Variant Classification Sherloc (09022015). Collection method: clinical testing. Allele origin: unknown.
Comment: For these reasons, this variant has been classified as Pathogenic. This variant has not been reported in the literature in individuals affected with SLC5A5-related conditions. This variant is a gross deletion of the genomic region encompassing exon(s) 8 of the SLC5A5 gene. This deletion is out-of-frame, and is expected to create a premature termination codon and result in an absent or disrupted protein product. Loss-of-function variants in SLC5A5 are known to be pathogenic (PMID: 9388506, 9486973).

Literature cited by the submitters: PubMed 9388506; PubMed 9486973.